The following is an entry in ClinVar:

NM_004260.4(RECQL4):c.509G>C (p.Gly170Ala)

Gene: RECQL4 (RecQ like helicase 4; minus strand). Cytogenetic location: 8q24.3.
Variant type: single nucleotide variant.
Coding change: c.509G>C on transcript NM_004260.4 (MANE Select); coding-DNA position 509, G replaced by C.
Protein change: p.Gly170Ala; replaces glycine 170 with alanine.
Molecular consequence: missense variant.
Genome position (GRCh38, 1-based): chr8:144,516,610, C>G on the plus strand (G>C on the coding strand, the complement: RECQL4 is on the minus strand). VCF-style: chr8-144516610-C-G. GRCh37 (hg19) VCF-style: chr8-145741994-C-G.
Other names: short protein forms G170A.
Identifiers: ClinVar variation 1490235 (VCV001490235.6), dbSNP rs768956367, ClinGen allele CA372691211.

ClinVar aggregate classification (germline): Uncertain significance (1 of 4 stars; one submission).

Conditions:
Baller-Gerold syndrome (BGS). Also called: CRANIOSYNOSTOSIS WITH RADIAL DEFECTS. Identifiers: Orphanet 1225, MedGen C0265308, MONDO:0009039, OMIM 218600.

Allele frequency attached by ClinVar (database versions not stated): gnomAD exomes below 0.00001.
gnomAD v4.1: 2 of 1,610,830 alleles (0.00012%); highest among the groups gnomAD compares: Non-Finnish European, 0.00017%; no homozygotes.

Submission:

Labcorp Genetics (formerly Invitae), Labcorp
Classification: Uncertain significance for Baller-Gerold syndrome. Last evaluated: 2021-06-29. Review status: criteria provided, single submitter. Criteria: Invitae Variant Classification Sherloc (09022015). Collection method: clinical testing. Allele origin: germline.
Comment: This variant has not been reported in the literature in individuals affected with RECQL4-related conditions. In summary, the available evidence is currently insufficient to determine the role of this variant in disease. Therefore, it has been classified as a Variant of Uncertain Significance. Experimental studies and prediction algorithms are not available or were not evaluated, and the functional significance of this variant is currently unknown. This variant is not present in population databases (ExAC no frequency). This sequence change replaces glycine with alanine at codon 170 of the RECQL4 protein (p.Gly170Ala). The glycine residue is highly conserved and there is a small physicochemical difference between glycine and alanine.